The following is an entry in ClinVar:

ClinVar aggregate classification (germline): Benign/Likely benign. Review status: criteria provided, multiple submitters, no conflicts (2 of 4 stars). 3 submissions from 3 submitters: Benign (1); Likely benign (2). Last evaluated 2025-05-05.

Conditions:
Alzheimer disease. Also called: Presenile and senile dementia; Alzheimer's disease. Identifiers: Orphanet 1020, MedGen C0002395, MeSH D000544, MONDO:0004975, HP:0002511.

Allele frequency attached by ClinVar (database versions not stated): ESP Exome Variant Server 0.00031; gnomAD 0.00035 and 0.00039; TOPMed 0.00044.

Submissions (3):

Labcorp Genetics (formerly Invitae), Labcorp
Classification: Likely benign for Alzheimer disease. Last evaluated: 2025-05-05. Review status: criteria provided, single submitter. Criteria: Invitae Variant Classification Sherloc (09022015). Collection method: clinical testing. Allele origin: germline.

Women's Health and Genetics/Laboratory Corporation of America, LabCorp
Classification: Likely benign. Last evaluated: 2024-04-03. Review status: criteria provided, single submitter. Criteria: LabCorp Variant Classification Summary - May 2015. Collection method: clinical testing. Allele origin: germline.
Comment: Variant summary: APP c.226G>A (p.Val76Ile) results in a conservative amino acid change located in the amyloidogenic glycoprotein, extracellular domain (IPR008154) of the encoded protein sequence. Three of five in-silico tools predict a damaging effect of the variant on protein function. The variant is located near a canonical splice site, yet consensus agreement among computation tools predict no significant impact on normal splicing. However, these predictions have yet to be confirmed by functional studies. The variant allele was found at a frequency of 8.1e-05 in 1613912 control chromosomes, predominantly at a frequency of 0.0014 within the African or African-American subpopulation in the gnomAD database, including 1 homozygote, suggesting that the variant is a benign polymorphism found primarily in populations of African or African-American origin. c.226G>A has been reported in the literature in two individuals affected with Alzheimer Disease without strong evidence for causality and was also reported in a control individual (N'Songo_2017). This report does not provide unequivocal conclusions about association of the variant with Alzheimer Disease. To our knowledge, no experimental evidence demonstrating an impact on protein function has been reported. The following publication has been ascertained in the context of this evaluation (PMID: 28106563). ClinVar contains an entry for this variant (Variation ID: 705909). Based on the evidence outlined above, the variant was classified as likely benign.

Athena Diagnostics
Classification: Benign. Last evaluated: 2021-03-30. Review status: criteria provided, single submitter. Criteria: Athena Diagnostics criteria. Collection method: clinical testing. Allele origin: unknown.

Literature cited by the submitters: PubMed 28106563 (cited by Women's Health and Genetics/Laboratory Corporation of America, LabCorp).

NM_000484.4(APP):c.226G>A (p.Val76Ile)

Gene: APP (amyloid beta precursor protein; minus strand). Cytogenetic location: 21q21.3.
Variant type: single nucleotide variant.
Coding change: c.226G>A on transcript NM_000484.4 (MANE Select); coding-DNA position 226, G replaced by A.
Protein change: p.Val76Ile; replaces valine 76 with isoleucine.
Molecular consequence: missense variant.
Genome position (GRCh38, 1-based): chr21:26,090,072, C>T on the plus strand (G>A on the coding strand, the complement: APP is on the minus strand). VCF-style: chr21-26090072-C-T. GRCh37 (hg19) VCF-style: chr21-27462388-C-T.
Other names: c.211G>A, p.Val71Ile (NM_001136016.3); c.58G>A, p.Val20Ile (NM_001136129.3, NM_001136130.3); c.121G>A, p.Val41Ile (NM_001136131.3); c.226G>A, p.Val76Ile (NM_001204301.2, NM_001204302.2, NM_001204303.2 and 3 more transcripts); short protein forms V20I, V41I, V71I, V76I.
Identifiers: ClinVar variation 705909 (VCV000705909.10), dbSNP rs151188448, ClinGen allele CA9987709.